The following is an entry in ClinVar:

NM_019098.5(CNGB3):c.419G>A (p.Arg140His)

Gene: CNGB3 (cyclic nucleotide gated channel subunit beta 3; minus strand). Cytogenetic location: 8q21.3.
Variant type: single nucleotide variant.
Coding change: c.419G>A on transcript NM_019098.5 (MANE Select); coding-DNA position 419, G replaced by A.
Protein change: p.Arg140His; replaces arginine 140 with histidine.
Molecular consequence: missense variant.
Genome position (GRCh38, 1-based): chr8:86,671,018, C>T on the plus strand (G>A on the coding strand, the complement: CNGB3 is on the minus strand). VCF-style: chr8-86671018-C-T. GRCh37 (hg19) VCF-style: chr8-87683246-C-T.
Other names: short protein forms R140H.
Identifiers: ClinVar variation 861789 (VCV000861789.8), dbSNP rs373216514, ClinGen allele CA4800404.
Genomic context (GRCh38, chr8:86,671,018, plus strand): 5'-GCTTCGGGTGAGGAGAGATCTCCCTCTACCAACTTTTTCTTGTAGAGGGCTGTTCTTTGA[C>T]GCATTCTTTTCACCAGGTTGTGTAGCTGGGCATCGGCATACTCATTTATAACAGGAGCTG-3'
Protein context (NP_061971.3, residues 130-150): AQLHNLVKRM[Arg140His]QRTALYKKKL

ClinVar aggregate classification (germline): Uncertain significance. Review status: criteria provided, single submitter (1 of 4 stars). 2 submissions from 2 submitters: Uncertain significance (1). 1 of the submissions does not count toward it. Last evaluated 2022-10-24.

Conditions:
Achromatopsia. Also called: Rod monochromatism. Identifiers: Orphanet 49382, MedGen C0152200, MONDO:0018852, HP:0011516.

Allele frequency attached by ClinVar (database versions not stated): TOPMed 0.00004; gnomAD 0.00009.

Submissions (2):

Labcorp Genetics (formerly Invitae), Labcorp
Classification: Uncertain significance. Last evaluated: 2022-10-24. Review status: criteria provided, single submitter. Criteria: Invitae Variant Classification Sherloc (09022015). Collection method: clinical testing. Allele origin: germline.
Comment: This sequence change replaces arginine, which is basic and polar, with histidine, which is basic and polar, at codon 140 of the CNGB3 protein (p.Arg140His). This variant is present in population databases (rs373216514, gnomAD 0.02%). This variant has not been reported in the literature in individuals affected with CNGB3-related conditions. ClinVar contains an entry for this variant (Variation ID: 861789). Advanced modeling of protein sequence and biophysical properties (such as structural, functional, and spatial information, amino acid conservation, physicochemical variation, residue mobility, and thermodynamic stability) performed at Invitae indicates that this missense variant is not expected to disrupt CNGB3 protein function. In summary, the available evidence is currently insufficient to determine the role of this variant in disease. Therefore, it has been classified as a Variant of Uncertain Significance.

Natera, Inc.
Classification: Uncertain significance for Achromatopsia. Last evaluated: 2020-04-14. Review status: no assertion criteria provided. Collection method: clinical testing. Allele origin: germline. Not counted in ClinVar's aggregate classification.